The following is an entry in ClinVar:

ClinVar aggregate classification (germline): Uncertain significance (1 of 4 stars; one submission).

Conditions:
Inborn genetic diseases. Identifiers: MedGen C0950123, MeSH D030342.

gnomAD v4.1: 9 of 1,611,814 alleles (0.00056%); highest among the groups gnomAD compares: Non-Finnish European, 0.00059%; no homozygotes.

Submission:

Ambry Genetics
Classification: Uncertain significance for Inborn genetic diseases. Last evaluated: 2025-02-17. Review status: criteria provided, single submitter. Criteria: Ambry Variant Classification Scheme 2023. Collection method: clinical testing. Allele origin: germline.
Comment: The p.A1259T variant (also known as c.3775G>A), located in coding exon 33 of the RTEL1 gene, results from a G to A substitution at nucleotide position 3775. The alanine at codon 1259 is replaced by threonine, an amino acid with similar properties. This amino acid position is conserved. In addition, this alteration is predicted to be tolerated by in silico analysis. Based on the available evidence, the clinical significance of this variant remains unclear.

NM_001283009.2(RTEL1):c.3775G>A (p.Ala1259Thr)

Genes: RTEL1 (regulator of telomere elongation helicase 1; plus strand), RTEL1-TNFRSF6B (RTEL1-TNFRSF6B readthrough (NMD candidate); plus strand). Cytogenetic location: 20q13.33.
Variant type: single nucleotide variant.
Coding change: c.3775G>A on transcript NM_001283009.2 (MANE Select); coding-DNA position 3775, G replaced by A.
Protein change: p.Ala1259Thr; replaces alanine 1259 with threonine.
Molecular consequence: missense variant. On other transcripts: non-coding transcript variant (1), intron variant (3).
Genome position (GRCh38, 1-based): chr20:63,695,603, G>A. VCF-style: chr20-63695603-G-A. GRCh37 (hg19) VCF-style: chr20-62326956-G-A.
Other names: c.2983+123G>A (NM_001283010.1); c.3724+123G>A (NM_032957.5); c.3652+123G>A (NM_016434.4); short protein forms A1259T.
Identifiers: ClinVar variation 3791160 (VCV003791160.1).
Genomic context (GRCh38, chr20:63,695,603, plus strand): 5'-TCAGCAGGCTGTGTGTGCCAGGGCTGTGGGGCAGAGGACGTGGTGCCCTTCCAGTGCCCT[G>A]CCTGTGACTTCCAGCGCTGCCAAGCCTGCTGGCAACGGCACCTTCAGGTTGGTGCCTGGC-3'
Protein context (NP_001269938.1, residues 1249-1269): AEDVVPFQCP[Ala1259Thr]CDFQRCQACW